The following is an entry in ClinVar:

ClinVar aggregate classification (germline): Pathogenic/Likely pathogenic. Review status: criteria provided, multiple submitters, no conflicts (2 of 4 stars). 2 submissions from 2 submitters: Pathogenic (1); Likely pathogenic (1). Last evaluated 2024-03-30.

Conditions:
Atypical hemolytic-uremic syndrome with C3 anomaly. Also called: AHUS, SUSCEPTIBILITY TO, 5. Identifiers: Orphanet 2134, MedGen C2752037, MONDO:0013043, OMIM 612925.
Age related macular degeneration 9. Identifiers: MedGen C1969651, MONDO:0012659, OMIM 611378.
Complement component 3 deficiency. Identifiers: Orphanet 280133, MedGen C3151071, MONDO:0013417, OMIM 613779.

Submissions (2):

Fulgent Genetics
Classification: Likely pathogenic for Age related macular degeneration 9; Atypical hemolytic-uremic syndrome with C3 anomaly; Complement component 3 deficiency. Last evaluated: 2024-03-30. Review status: criteria provided, single submitter. Criteria: ACMG Guidelines, 2015. Collection method: clinical testing. Allele origin: germline.

Labcorp Genetics (formerly Invitae), Labcorp
Classification: Pathogenic. Last evaluated: 2024-03-07. Review status: criteria provided, single submitter. Criteria: Invitae Variant Classification Sherloc (09022015). Collection method: clinical testing. Allele origin: germline.
Comment: This sequence change creates a premature translational stop signal (p.Val942Glyfs*13) in the C3 gene. It is expected to result in an absent or disrupted protein product. Loss-of-function variants in C3 are known to be pathogenic (PMID: 12462331, 14639503, 21501302). This variant is not present in population databases (gnomAD no frequency). This variant has not been reported in the literature in individuals affected with C3-related conditions. For these reasons, this variant has been classified as Pathogenic.

Literature cited by the submitters: PubMed 12462331 (cited by Labcorp Genetics (formerly Invitae), Labcorp); PubMed 14639503 (cited by Labcorp Genetics (formerly Invitae), Labcorp); PubMed 21501302 (cited by Labcorp Genetics (formerly Invitae), Labcorp).

NM_000064.4(C3):c.2825_2826del (p.Val942fs)

Gene: C3 (complement C3; minus strand). Cytogenetic location: 19p13.3.
Variant type: Microsatellite.
Coding change: c.2825_2826del on transcript NM_000064.4 (MANE Select); coding-DNA positions 2825 to 2826, 2 bases deleted (TG; older notation c.2825_2826delTG).
Protein change: p.Val942fs; shifts the reading frame from valine 942.
Molecular consequence: frameshift variant.
Genome position (GRCh38, 1-based): chr19:6,696,630-6,696,631, CA deleted on the plus strand (TG on the coding strand, the reverse complement: C3 is on the minus strand); deleting any 2 consecutive bases within chr19:6,696,630-6,696,633 gives the same sequence; the c. name uses the placement nearest the transcript's 3' end. VCF-style (leftmost placement, unchanged base first): chr19-6696629-CCA-C. GRCh37 (hg19) VCF-style: chr19-6696640-CCA-C.
Other names: short protein forms V942fs.
Identifiers: ClinVar variation 3584123 (VCV003584123.3).